The following is an entry in ClinVar:

NM_015999.6(ADIPOR1):c.483G>A (p.Met161Ile)

Gene: ADIPOR1 (adiponectin receptor 1; minus strand). Cytogenetic location: 1q32.1.
Variant type: single nucleotide variant.
Coding change: c.483G>A on transcript NM_015999.6 (MANE Select); coding-DNA position 483, G replaced by A.
Protein change: p.Met161Ile; replaces methionine 161 with isoleucine.
Molecular consequence: missense variant.
Genome position (GRCh38, 1-based): chr1:202,945,117, C>T on the plus strand (G>A on the coding strand, the complement: ADIPOR1 is on the minus strand). VCF-style: chr1-202945117-C-T. GRCh37 (hg19) VCF-style: chr1-202914245-C-T.
Other names: c.483G>A, p.Met161Ile (NM_001127687.1, NM_001290553.2, NM_001290557.1 and 1 more transcripts); short protein forms M161I.
Identifiers: ClinVar variation 2004385 (VCV002004385.4), dbSNP rs373089230, ClinGen allele CA35606321.

ClinVar aggregate classification (germline): Uncertain significance (1 of 4 stars; one submission).

Allele frequency attached by ClinVar (database versions not stated): TOPMed below 0.00001; ESP Exome Variant Server 0.00008.

Submission:

Labcorp Genetics (formerly Invitae), Labcorp
Classification: Uncertain significance. Last evaluated: 2022-06-17. Review status: criteria provided, single submitter. Criteria: Invitae Variant Classification Sherloc (09022015). Collection method: clinical testing. Allele origin: germline.
Comment: This sequence change replaces methionine, which is neutral and non-polar, with isoleucine, which is neutral and non-polar, at codon 161 of the ADIPOR1 protein (p.Met161Ile). This variant is not present in population databases (gnomAD no frequency). In summary, the available evidence is currently insufficient to determine the role of this variant in disease. Therefore, it has been classified as a Variant of Uncertain Significance. Algorithms developed to predict the effect of missense changes on protein structure and function are either unavailable or do not agree on the potential impact of this missense change (SIFT: "Deleterious"; PolyPhen-2: "Benign"; Align-GVGD: "Class C0"). This variant has not been reported in the literature in individuals affected with ADIPOR1-related conditions.